The following is an entry in ClinVar:

NM_053025.4(MYLK):c.2080A>G (p.Thr694Ala)

Gene: MYLK (myosin light chain kinase; minus strand). Cytogenetic location: 3q21.1.
Variant type: single nucleotide variant.
Coding change: c.2080A>G on transcript NM_053025.4 (MANE Select); coding-DNA position 2080, A replaced by G.
Protein change: p.Thr694Ala; replaces threonine 694 with alanine.
Molecular consequence: missense variant.
Genome position (GRCh38, 1-based): chr3:123,708,758, T>C on the plus strand (A>G on the coding strand, the complement: MYLK is on the minus strand). VCF-style: chr3-123708758-T-C. GRCh37 (hg19) VCF-style: chr3-123427605-T-C.
Other names: c.1552A>G, p.Thr518Ala (NM_001321309.2); c.1873A>G, p.Thr625Ala (NM_053026.4, NM_053028.4); c.2080A>G, p.Thr694Ala (NM_053027.4); short protein forms T518A, T625A, T694A.
Identifiers: ClinVar variation 1722243 (VCV001722243.5), dbSNP rs2474303940, ClinGen allele CA354234314.
Genomic context (GRCh38, chr3:123,708,758, plus strand): 5'-CTTGTACCGTGAGCACGGCCTGGGTGCGGACCTCTCCAGCGCTGTTCCAGGCCTCGCAGG[T>C]GTACGTGCCCGTGTCCTCCGGGAACACTTCCTGGATACAAAGGCTGTGCTGAGTTCCTCT-3'
Protein context (NP_444253.3, residues 684-704): EVFPEDTGTY[Thr694Ala]CEAWNSAGEV

ClinVar aggregate classification (germline): Uncertain significance (1 of 4 stars; one submission).

Conditions:
Aortic aneurysm, familial thoracic 7 (AAT7). Also called: AORTIC DISSECTION, FAMILIAL, WITH OR WITHOUT AORTIC ANEURYSM. Identifiers: MedGen C3151077, MONDO:0013418, OMIM 613780.

Submission:

Labcorp Genetics (formerly Invitae), Labcorp
Classification: Uncertain significance for Aortic aneurysm, familial thoracic 7. Last evaluated: 2022-10-27. Review status: criteria provided, single submitter. Criteria: Invitae Variant Classification Sherloc (09022015). Collection method: clinical testing. Allele origin: germline.
Comment: In summary, the available evidence is currently insufficient to determine the role of this variant in disease. Therefore, it has been classified as a Variant of Uncertain Significance. This variant has not been reported in the literature in individuals affected with MYLK-related conditions. Advanced modeling of protein sequence and biophysical properties (such as structural, functional, and spatial information, amino acid conservation, physicochemical variation, residue mobility, and thermodynamic stability) performed at Invitae indicates that this missense variant is not expected to disrupt MYLK protein function. This variant is not present in population databases (gnomAD no frequency). This sequence change replaces threonine, which is neutral and polar, with alanine, which is neutral and non-polar, at codon 694 of the MYLK protein (p.Thr694Ala).